The following is an entry in ClinVar:

NM_001365999.1(SZT2):c.8641G>C (p.Glu2881Gln)

Gene: SZT2 (SZT2 subunit of KICSTOR complex; plus strand). Cytogenetic location: 1p34.2.
Variant type: single nucleotide variant.
Coding change: c.8641G>C on transcript NM_001365999.1 (MANE Select); coding-DNA position 8641, G replaced by C.
Protein change: p.Glu2881Gln; replaces glutamic acid 2881 with glutamine.
Molecular consequence: missense variant.
Genome position (GRCh38, 1-based): chr1:43,443,612, G>C. VCF-style: chr1-43443612-G-C. GRCh37 (hg19) VCF-style: chr1-43909283-G-C.
Other names: c.8470G>C, p.Glu2824Gln (NM_015284.4); short protein forms E2881Q, E2824Q.
Identifiers: ClinVar variation 937714 (VCV000937714.9), dbSNP rs1379192344, ClinGen allele CA340039924.
Genomic context (GRCh38, chr1:43,443,612, plus strand): 5'-ATGGTTGACAGTGGGGAGAGTCTTCCTTGATCTTTACTCTCATAGCGGCGCCATCGCCCT[G>C]AGTCAGGGTCTGGGAGCCGAGAGGCCCCCACAAGCTGTGAATCCTTGGATGTGTCGCCCC-3'
Protein context (NP_001352928.1, residues 2871-2891): PPDGQRRHRP[Glu2881Gln]SGSGSREAPT

ClinVar aggregate classification (germline): Uncertain significance (1 of 4 stars; one submission).

Allele frequency attached by ClinVar (database versions not stated): gnomAD exomes below 0.00001 and 0.00001.
gnomAD v4.1: 5 of 1,614,176 alleles (0.00031%); highest among the groups gnomAD compares: East Asian, 0.011%; no homozygotes.

Submission:

Labcorp Genetics (formerly Invitae), Labcorp
Classification: Uncertain significance. Last evaluated: 2022-08-16. Review status: criteria provided, single submitter. Criteria: Invitae Variant Classification Sherloc (09022015). Collection method: clinical testing. Allele origin: germline.
Comment: In summary, the available evidence is currently insufficient to determine the role of this variant in disease. Therefore, it has been classified as a Variant of Uncertain Significance. Algorithms developed to predict the effect of sequence changes on RNA splicing suggest that this variant may create or strengthen a splice site. Algorithms developed to predict the effect of missense changes on protein structure and function are either unavailable or do not agree on the potential impact of this missense change (SIFT: "Tolerated"; PolyPhen-2: "Probably Damaging"; Align-GVGD: "Class C0"). ClinVar contains an entry for this variant (Variation ID: 937714). This variant has not been reported in the literature in individuals affected with SZT2-related conditions. This variant is present in population databases (no rsID available, gnomAD 0.006%). This sequence change replaces glutamic acid, which is acidic and polar, with glutamine, which is neutral and polar, at codon 2824 of the SZT2 protein (p.Glu2824Gln).